The following is an entry in ClinVar:

NM_016123.4(IRAK4):c.1371G>A (p.Met457Ile)

Gene: IRAK4 (interleukin 1 receptor associated kinase 4; plus strand). Cytogenetic location: 12q12.
Variant type: single nucleotide variant.
Coding change: c.1371G>A on transcript NM_016123.4 (MANE Select); coding-DNA position 1371, G replaced by A.
Protein change: p.Met457Ile; replaces methionine 457 with isoleucine.
Molecular consequence: missense variant.
Genome position (GRCh38, 1-based): chr12:43,786,703, G>A. VCF-style: chr12-43786703-G-A. GRCh37 (hg19) VCF-style: chr12-44180506-G-A.
Other names: c.1371G>A, p.Met457Ile (NM_001114182.3, NM_001351345.2); c.999G>A, p.Met333Ile (NM_001145256.2, NM_001145257.2, NM_001145258.2 and 5 more transcripts); c.762G>A, p.Met254Ile (NM_001351343.2, NM_001351344.2); short protein forms M457I, M254I, M333I.
Identifiers: ClinVar variation 651127 (VCV000651127.11), dbSNP rs766606181, ClinGen allele CA6522670.

ClinVar aggregate classification (germline): Uncertain significance. Review status: criteria provided, multiple submitters, no conflicts (2 of 4 stars). 2 submissions from 2 submitters: Uncertain significance (2). Last evaluated 2024-11-05.

Conditions:
Immunodeficiency 67. Also called: Immunodeficiency due to interleukin-1 receptor-associated kinase-4 deficiency. Identifiers: Orphanet 70592, MedGen C1843256, MONDO:0011888, OMIM 607676.
Inborn genetic diseases. Identifiers: MedGen C0950123, MeSH D030342.

Allele frequency attached by ClinVar (database versions not stated): ExAC 0.00001; gnomAD exomes 0.00001; gnomAD 0.00003; TOPMed 0.00004.
gnomAD v4.1: 15 of 1,613,350 alleles (0.00093%); highest among the groups gnomAD compares: Middle Eastern, 0.033%; no homozygotes.

Submissions (2):

Labcorp Genetics (formerly Invitae), Labcorp
Classification: Uncertain significance for Immunodeficiency 67. Last evaluated: 2024-11-05. Review status: criteria provided, single submitter. Criteria: Invitae Variant Classification Sherloc (09022015). Collection method: clinical testing. Allele origin: germline.
Comment: This sequence change replaces methionine, which is neutral and non-polar, with isoleucine, which is neutral and non-polar, at codon 457 of the IRAK4 protein (p.Met457Ile). This variant is present in population databases (rs766606181, gnomAD 0.003%). This variant has not been reported in the literature in individuals affected with IRAK4-related conditions. ClinVar contains an entry for this variant (Variation ID: 651127). An algorithm developed to predict the effect of missense changes on protein structure and function outputs the following: PolyPhen-2: "Benign". The isoleucine amino acid residue is found in multiple mammalian species, which suggests that this missense change does not adversely affect protein function. In summary, the available evidence is currently insufficient to determine the role of this variant in disease. Therefore, it has been classified as a Variant of Uncertain Significance.

Ambry Genetics
Classification: Uncertain significance for Inborn genetic diseases. Last evaluated: 2023-12-09. Review status: criteria provided, single submitter. Criteria: Ambry Variant Classification Scheme 2023. Collection method: clinical testing. Allele origin: germline.